The following is an entry in ClinVar:

NM_001010892.3(RSPH4A):c.1818dup (p.Trp607fs)

Gene: RSPH4A (radial spoke head component 4A; plus strand). Cytogenetic location: 6q22.1.
Variant type: Duplication.
Coding change: c.1818dup on transcript NM_001010892.3 (MANE Select); coding-DNA position 1818, one base duplicated (C; older notation c.1818dupC).
Protein change: p.Trp607fs; shifts the reading frame from tryptophan 607.
Molecular consequence: frameshift variant.
Genome position (GRCh38, 1-based): chr6:116,630,454, C duplicated; the last of 6 consecutive C bases (chr6:116,630,449-116,630,454); duplicating any one gives the same sequence. VCF-style (leftmost placement, unchanged base first): chr6-116630448-A-AC. GRCh37 (hg19) VCF-style: chr6-116951611-A-AC.
Other names: c.1818dupC (NM_001010892.2); c.1682dup, p.Gly562fs (NM_001161664.2); short protein forms W607fs, G562fs.
Identifiers: ClinVar variation 666045 (VCV000666045.9), dbSNP rs748664881, ClinGen allele CA817717867.

ClinVar aggregate classification (germline): Likely pathogenic (1 of 4 stars; one submission).

Conditions:
Primary ciliary dyskinesia. Also called: Ciliary dyskinesia. Identifiers: Orphanet 244, MedGen C0008780, MONDO:0016575, HP:0012265.

Submission:

Labcorp Genetics (formerly Invitae), Labcorp
Classification: Likely pathogenic for Primary ciliary dyskinesia. Last evaluated: 2018-08-30. Review status: criteria provided, single submitter. Criteria: Invitae Variant Classification Sherloc (09022015). Collection method: clinical testing. Allele origin: germline.
Comment: This sequence change results in a premature translational stop signal in the RSPH4A gene (p.Trp607Leufs*36). While this is not anticipated to result in nonsense mediated decay, it is expected to disrupt the last 110 amino acids of the RSPH4A protein. This variant is not present in population databases (ExAC no frequency). The observation of one or more missense substitutions downstream of this variant (p.Tyr645Cys) in affected individuals suggests that this may be a clinically significant region of the RSPH4A protein (Invitae). In summary, the currently available evidence indicates that the variant is pathogenic, but additional data are needed to prove that conclusively. Therefore, this variant has been classified as Likely Pathogenic.